The following is an entry in ClinVar:

NM_001447.3(FAT2):c.9835C>G (p.Leu3279Val)

Genes: FAT2 (FAT atypical cadherin 2; minus strand), SLC36A1 (solute carrier family 36 member 1; plus strand). Cytogenetic location: 5q33.1.
Variant type: single nucleotide variant.
Coding change: c.9835C>G on transcript NM_001447.3 (MANE Select); coding-DNA position 9835, C replaced by G.
Protein change: p.Leu3279Val; replaces leucine 3279 with valine.
Molecular consequence: missense variant.
Genome position (GRCh38, 1-based): chr5:151,529,369, G>C on the plus strand (C>G on the coding strand, the complement: FAT2 is on the minus strand). VCF-style: chr5-151529369-G-C. GRCh37 (hg19) VCF-style: chr5-150908930-G-C.
Other names: c.9835C>G (NM_001447.2); short protein forms L3279V.
Identifiers: ClinVar variation 1679143 (VCV001679143.4), dbSNP rs1363769217, ClinGen allele CA361826775.
Genomic context (GRCh38, chr5:151,529,369, plus strand): 5'-AGGAGCTCTTCCGGCTGCACTCAATGGACAGGAAGTACTTGGGGCTTGTCTCAAAGTCCA[G>C]GCTTGCGTTGACATACAGGATCCCTGAAGAAGCAAGAGGTGACAGCAGCAATGAGGCAGT-3'
Protein context (NP_001438.1, residues 3269-3289): RTGILYVNAS[Leu3279Val]DFETSPKYFL

ClinVar aggregate classification (germline): Uncertain significance. Review status: criteria provided, multiple submitters, no conflicts (2 of 4 stars). 2 submissions from 2 submitters: Uncertain significance (2). Last evaluated 2024-10-28.

Conditions:
Spinocerebellar ataxia 45. Identifiers: Orphanet 589527, MedGen C4540400, MONDO:0033480, OMIM 617769.

Allele frequency attached by ClinVar (database versions not stated): gnomAD exomes below 0.00001.
gnomAD v4.1: 17 of 1,613,902 alleles (0.0011%); highest among the groups gnomAD compares: Non-Finnish European, 0.0014%; no homozygotes.

Submissions (2):

Ambry Genetics
Classification: Uncertain significance. Last evaluated: 2024-10-28. Review status: criteria provided, single submitter. Criteria: Ambry Variant Classification Scheme 2023. Collection method: clinical testing. Allele origin: germline.

Institute of Human Genetics, University of Leipzig Medical Center
Classification: Uncertain significance for Spinocerebellar ataxia 45. Last evaluated: 2022-03-04. Review status: criteria provided, single submitter. Criteria: ACMG Guidelines, 2015. Collection method: clinical testing. Allele origin: unknown. Inheritance: Autosomal dominant inheritance. Affected: yes.
Comment: Criteria applied: PM2_SUP,PP3